The following is an entry in ClinVar:

ClinVar aggregate classification (germline): Conflicting classifications of pathogenicity. Review status: criteria provided, conflicting classifications (1 of 4 stars). 2 submissions from 2 submitters: Uncertain significance (1); Likely benign (1). Last evaluated 2026-06-26.

Conditions:
KIF1A-related disorder. Also called: KIF1A-related disorders; KIF1A-related condition.

Submissions (2):

PreventionGenetics, part of Exact Sciences
Classification: Uncertain significance for KIF1A-related condition. Last evaluated: 2026-06-26. Review status: criteria provided, single submitter. Criteria: ACMG Guidelines, 2015. Collection method: clinical testing. Allele origin: germline.
Comment: The KIF1A c.2766_2768dupGGA variant is predicted to result in an in-frame duplication (p.Glu922dup). To our knowledge, this variant has not been reported in the literature. This variant is reported in 0.058% of alleles in individuals of East Asian descent in gnomAD. At this time, the clinical significance of this variant is uncertain due to the absence of conclusive functional and genetic evidence.

Blueprint Genetics
Classification: Likely benign. Last evaluated: 2023-10-05. Review status: criteria provided, single submitter. Criteria: ACMG Guidelines, 2015. Collection method: clinical testing. Allele origin: germline.

NM_001244008.2(KIF1A):c.2757GGA[5] (p.Glu922_Asp923insGlu)

Gene: KIF1A (kinesin family member 1A; minus strand). Cytogenetic location: 2q37.3.
Variant type: Microsatellite.
Coding change: c.2757GGA[5] on transcript NM_001244008.2 (MANE Select); five copies in a row of the 3-base unit GGA starting at c.2757; the reference has four copies in a row; one copy, 3 bases duplicated.
Protein change: p.Glu922_Asp923insGlu.
Molecular consequence: intron variant (on NM_001379648.1). On other transcripts: inframe indel (1).
Genome position (GRCh38, 1-based): chr2:240,757,409-240,757,411, TCC duplicated on the plus strand (GGA on the coding strand, the reverse complement: KIF1A is on the minus strand); duplicating any 3 consecutive bases within chr2:240,757,409-240,757,422 gives the same sequence; the position shown is the placement nearest the transcript's 3' end. VCF-style (leftmost placement, unchanged base first): chr2-240757408-G-GTCC. GRCh37 (hg19) VCF-style: chr2-241696825-G-GTCC.
Other names: c.2630+940GGA[5] (NM_001379648.1, NM_001379637.1); c.2582+940GGA[5] (NM_001320705.2, NM_001379638.1, NM_001330289.2); c.2657+940GGA[5] (NM_001330290.2, NM_001379646.1, NM_001379634.1 and 1 more transcripts); c.2555+940GGA[5] (NM_001379651.1, NM_001379653.1, NM_001379650.1 and 6 more transcripts); c.2755_2757GAG[5], p.Glu922_Asp923insGlu (NM_001244008.1); c.2832GGA[5], p.Glu947_Asp948insGlu (NM_001379631.1); c.2706GGA[5], p.Glu905_Asp906insGlu (NM_001379632.1); c.2730GGA[5], p.Glu913_Asp914insGlu (NM_001379633.1, NM_001379642.1, NM_001379645.1); and 1 more.
Identifiers: ClinVar variation 4960899 (VCV004960899.2).